The following is an entry in ClinVar:

ClinVar aggregate classification (germline): Uncertain significance (1 of 4 stars; one submission).

Conditions:
Progressive myoclonic epilepsy type 3. Also called: EPILEPSY, PROGRESSIVE MYOCLONIC, 3, WITHOUT INTRACELLULAR INCLUSIONS; EPILEPSY, PROGRESSIVE MYOCLONIC, 3, WITH OR WITHOUT INTRACELLULAR INCLUSIONS; CEROID LIPOFUSCINOSIS, NEURONAL, 14; KCTD7-Related Progressive Myoclonic Epilepsy. Identifiers: Orphanet 263516, MedGen C2673257, MONDO:0012721, OMIM 611726.

Submission:

3billion
Classification: Uncertain significance for Progressive myoclonic epilepsy type 3. Last evaluated: 2023-12-06. Review status: criteria provided, single submitter. Criteria: ACMG Guidelines, 2015. Collection method: clinical testing. Allele origin: germline. Affected: yes.
Comment: The variant is not observed in the gnomAD v2.1.1 dataset. Predicted Consequence/Location: Missense variant In silico tool predictions suggest damaging effect of the variant on gene or gene product [3Cnet: 0.75 (>=0.6, sensitivity 0.72 and precision 0.9)]. Therefore, this variant is classified as VUS according to the recommendation of ACMG/AMP guideline.

NM_153033.5(KCTD7):c.317A>T (p.Asp106Val)

Gene: KCTD7 (potassium channel tetramerization domain containing 7; plus strand). Cytogenetic location: 7q11.21.
Variant type: single nucleotide variant.
Coding change: c.317A>T on transcript NM_153033.5 (MANE Select); coding-DNA position 317, A replaced by T.
Protein change: p.Asp106Val; replaces aspartic acid 106 with valine.
Molecular consequence: missense variant.
Genome position (GRCh38, 1-based): chr7:66,638,255, A>T. VCF-style: chr7-66638255-A-T. GRCh37 (hg19) VCF-style: chr7-66103242-A-T.
Other names: c.317A>T, p.Asp106Val (NM_001167961.2); short protein forms D106V.
Identifiers: ClinVar variation 3775812 (VCV003775812.1).